The following is an entry in ClinVar:

NM_000834.5(GRIN2B):c.975C>A (p.His325Gln)

Gene: GRIN2B (glutamate ionotropic receptor NMDA type subunit 2B; minus strand). Cytogenetic location: 12p13.1.
Variant type: single nucleotide variant.
Coding change: c.975C>A on transcript NM_000834.5 (MANE Select); coding-DNA position 975, C replaced by A.
Protein change: p.His325Gln; replaces histidine 325 with glutamine.
Molecular consequence: missense variant.
Genome position (GRCh38, 1-based): chr12:13,753,352, G>T on the plus strand (C>A on the coding strand, the complement: GRIN2B is on the minus strand). VCF-style: chr12-13753352-G-T. GRCh37 (hg19) VCF-style: chr12-13906286-G-T.
Other names: c.975C>A, p.His325Gln (NM_001413992.1, NM_001413993.1, NM_001413994.1 and 1 more transcripts); short protein forms H325Q.
Identifiers: ClinVar variation 4267044 (VCV004267044.2).

ClinVar aggregate classification (germline): Uncertain significance. Review status: criteria provided, multiple submitters, no conflicts (2 of 4 stars). 2 submissions from 2 submitters: Uncertain significance (2). Last evaluated 2025-08-19.

Conditions:
Inborn genetic diseases. Identifiers: MedGen C0950123, MeSH D030342.

gnomAD v4.1: 8 of 1,609,106 alleles (0.0005%); highest among the groups gnomAD compares: Non-Finnish European, 0.0006%; no homozygotes.

Submissions (2):

Ambry Genetics
Classification: Uncertain significance for Inborn genetic diseases. Last evaluated: 2025-08-19. Review status: criteria provided, single submitter. Criteria: Ambry Variant Classification Scheme 2023. Collection method: clinical testing. Allele origin: germline.

Dasa
Classification: Uncertain significance. Last evaluated: 2025-07-28. Review status: criteria provided, single submitter. Criteria: DASA Assertion Criteria. Collection method: clinical testing. Allele origin: germline.
Comment: NM_000834.5(GRIN2B):c.975C>A (p.His325Gln) is a missense variant that results in the substitution of histidine with glutamine. Multiple computational predictions suggest no deleterious effect on the gene or gene product. The variant is present at low frequency in population datasets. Based on the available data, this variant is classified as variant of uncertain significance.